The following is an entry in ClinVar:

NM_001142800.2(EYS):c.8122T>C (p.Ser2708Pro)

Gene: EYS (EGF-like photoreceptor maintenance factor; minus strand). Cytogenetic location: 6q12.
Variant type: single nucleotide variant.
Coding change: c.8122T>C on transcript NM_001142800.2 (MANE Select); coding-DNA position 8122, T replaced by C.
Protein change: p.Ser2708Pro; replaces serine 2708 with proline.
Molecular consequence: missense variant.
Genome position (GRCh38, 1-based): chr6:63,726,630, A>G on the plus strand (T>C on the coding strand, the complement: EYS is on the minus strand). VCF-style: chr6-63726630-A-G. GRCh37 (hg19) VCF-style: chr6-64436523-A-G.
Other names: c.8185T>C, p.Ser2729Pro (NM_001292009.2); short protein forms S2708P, S2729P.
Identifiers: ClinVar variation 3250299 (VCV003250299.2).
Genomic context (GRCh38, chr6:63,726,630, plus strand): 5'-CGAGAGGCTGAAACTGCAATTGAATATGTGTCTTTTTTCGAACATGAAAGGAAGCAAAAG[A>G]CATCCAGGATAACTCATTGCTTCTGAAAGATGGATCACTTATGGATAAAGCTGAGGGAAG-3'
Protein context (NP_001136272.1, residues 2698-2718): SFRSNELSWM[Ser2708Pro]FASFHVRKKT

ClinVar aggregate classification (germline): Uncertain significance. Review status: criteria provided, single submitter (1 of 4 stars). 2 submissions from 2 submitters: Uncertain significance (1). 1 of the submissions does not count toward it. Last evaluated 2026-07-22.

Conditions:
Retinitis pigmentosa 25 (RP25). Identifiers: Orphanet 791, MedGen C1864446, MONDO:0011272, OMIM 602772.
Retinal dystrophy. Also called: Inherited retinal dystrophy. Identifiers: Orphanet 71862, MedGen C0854723, MeSH D058499, MONDO:0019118, HP:0000556.

gnomAD v4.1: 1 of 1,551,366 alleles (0.000064%); highest among the groups gnomAD compares: Non-Finnish European, 0.000087%; no homozygotes.

Submissions (2):

Myriad Genetics, Inc.
Classification: Uncertain significance for Retinitis pigmentosa 25. Last evaluated: 2026-07-22. Review status: criteria provided, single submitter. Criteria: Myriad Autosomal Dominant, Autosomal Recessive and X-Linked Classification Criteria (2023). Collection method: clinical testing. Allele origin: unknown.
Comment: NM_001142800.1(EYS):c.8122T>C(S2708P) is a missense variant classified as a variant of uncertain significance in the context of retinitis pigmentosa, EYS-related. S2708P has been observed in a case with relevant disease (PMID: 39462066). Relevant functional assessments of this variant are not available in the literature. S2708P has not been observed in referenced population frequency databases. In summary, there is insufficient evidence to classify NM_001142800.1(EYS):c.8122T>C(S2708P) as pathogenic or benign. Please note: this variant was assessed in the context of healthy population screening.

Institute of Human Genetics, Univ. Regensburg, Univ. Regensburg
Classification: Likely pathogenic for Retinal dystrophy. Last evaluated: 2018-01-01. Review status: no assertion criteria provided. Criteria: ACMG Guidelines, 2015. Collection method: clinical testing. Allele origin: germline. Affected: yes. Not counted in ClinVar's aggregate classification.

Literature cited by the submitters: PubMed 39462066 (cited by Myriad Genetics, Inc.).